The following is an entry in ClinVar:

NM_001961.4(EEF2):c.218C>T (p.Thr73Ile)

Gene: EEF2 (eukaryotic translation elongation factor 2; minus strand). Cytogenetic location: 19p13.3.
Variant type: single nucleotide variant.
Coding change: c.218C>T on transcript NM_001961.4 (MANE Select); coding-DNA position 218, C replaced by T.
Protein change: p.Thr73Ile; replaces threonine 73 with isoleucine.
Molecular consequence: missense variant.
Genome position (GRCh38, 1-based): chr19:3,984,136, G>A on the plus strand (C>T on the coding strand, the complement: EEF2 is on the minus strand). VCF-style: chr19-3984136-G-A. GRCh37 (hg19) VCF-style: chr19-3984134-G-A.
Other names: short protein forms T73I.
Identifiers: ClinVar variation 1328703 (VCV001328703.2), dbSNP rs2145367250, ClinGen allele CA403395404.

ClinVar aggregate classification (germline): Uncertain significance (1 of 4 stars; one submission).

Allele frequency attached by ClinVar (database versions not stated): gnomAD exomes below 0.00001.

Submission:

GeneDx
Classification: Uncertain significance. Last evaluated: 2021-06-18. Review status: criteria provided, single submitter. Criteria: GeneDx Variant Classification Process June 2021. Collection method: clinical testing. Allele origin: germline. Affected: yes.
Comment: Not observed at significant frequency in large population cohorts (Lek et al., 2016); In silico analysis supports that this missense variant has a deleterious effect on protein structure/function; Has not been previously published as pathogenic or benign to our knowledge; In-silico analysis is inconclusive as to whether the variant alters gene splicing. In the absence of RNA/functional studies, the actual effect of this sequence change is unknown.; This variant is associated with the following publications: (PMID: 27535533)